The following is an entry in ClinVar:

NM_152424.4(AMER1):c.2974G>A (p.Ala992Thr)

Gene: AMER1 (APC membrane recruitment protein 1; minus strand). Cytogenetic location: Xq11.2.
Variant type: single nucleotide variant.
Coding change: c.2974G>A on transcript NM_152424.4 (MANE Select); coding-DNA position 2974, G replaced by A.
Protein change: p.Ala992Thr; replaces alanine 992 with threonine.
Molecular consequence: missense variant.
Genome position (GRCh38, 1-based): chrX:64,190,313, C>T on the plus strand (G>A on the coding strand, the complement: AMER1 is on the minus strand). VCF-style: chrX-64190313-C-T. GRCh37 (hg19) VCF-style: chrX-63410193-C-T.
Other names: short protein forms A992T.
Identifiers: ClinVar variation 3346578 (VCV003346578.1).

ClinVar aggregate classification (germline): Uncertain significance (0 of 4 stars; one submission).

Conditions:
AMER1-related disorder. Also called: AMER1-related condition.

Submission:

PreventionGenetics, part of Exact Sciences
Classification: Uncertain significance for AMER1-related condition. Last evaluated: 2024-09-06. Review status: no assertion criteria provided. Collection method: clinical testing. Allele origin: germline.
Comment: The AMER1 c.2974G>A variant is predicted to result in the amino acid substitution p.Ala992Thr. To our knowledge, this variant has not been reported in the literature or in a large population database, indicating this variant is rare. At this time, the clinical significance of this variant is uncertain due to the absence of conclusive functional and genetic evidence.